The following is an entry in ClinVar:

ClinVar aggregate classification (germline): Uncertain significance (1 of 4 stars; one submission).

Conditions:
Autosomal recessive limb-girdle muscular dystrophy type 2J (LGMDR10). Also called: Limb-girdle muscular dystrophy, type 2J; MUSCULAR DYSTROPHY, LIMB-GIRDLE, AUTOSOMAL RECESSIVE 10. Identifiers: Orphanet 140922, MedGen C1837342, MONDO:0012127, OMIM 608807.
Dilated cardiomyopathy 1G (CMD1G). Identifiers: Orphanet 154, MedGen C1858763, MONDO:0011400, OMIM 604145.

Submission:

Labcorp Genetics (formerly Invitae), Labcorp
Classification: Uncertain significance for Dilated cardiomyopathy 1G; Autosomal recessive limb-girdle muscular dystrophy type 2J. Last evaluated: 2025-10-17. Review status: criteria provided, single submitter. Criteria: Invitae Variant Classification Sherloc (09022015). Collection method: clinical testing. Allele origin: germline.
Comment: This sequence change replaces glutamic acid, which is acidic and polar, with lysine, which is basic and polar, at codon 35115 of the TTN protein (p.Glu35115Lys). This variant is not present in population databases (gnomAD no frequency). This variant has not been reported in the literature in individuals affected with TTN-related conditions. Experimental studies and prediction algorithms are not available or were not evaluated, and the functional significance of this variant is currently unknown. This variant is located in the M band of TTN (PMID: 25589632). Non-truncating variants in this region may be relevant for neuromuscular disorders, but have not been definitively shown to cause cardiomyopathy (PMID: 23975875). In summary, the available evidence is currently insufficient to determine the role of this variant in disease. Therefore, it has been classified as a Variant of Uncertain Significance.

Literature cited by the submitters: PubMed 25589632; PubMed 23975875.

NM_001267550.2(TTN):c.105343G>A (p.Glu35115Lys)

Genes: TTN (titin; minus strand), TTN-AS1 (TTN antisense RNA 1; plus strand). Cytogenetic location: 2q31.2.
Variant type: single nucleotide variant.
Coding change: c.105343G>A on transcript NM_001267550.2 (MANE Select); coding-DNA position 105343, G replaced by A.
Protein change: p.Glu35115Lys; replaces glutamic acid 35115 with lysine.
Molecular consequence: missense variant.
Genome position (GRCh38, 1-based): chr2:178,531,272, C>T on the plus strand (G>A on the coding strand, the complement: TTN is on the minus strand). VCF-style: chr2-178531272-C-T. GRCh37 (hg19) VCF-style: chr2-179395999-C-T.
Other names: c.100420G>A, p.Glu33474Lys (NM_001256850.1); c.78148G>A, p.Glu26050Lys (NM_003319.4); c.97639G>A, p.Glu32547Lys (NM_133378.4); c.78523G>A, p.Glu26175Lys (NM_133432.3); c.78724G>A, p.Glu26242Lys (NM_133437.4); short protein forms E32547K, E26175K, E26050K, E26242K, E33474K, E35115K.
Identifiers: ClinVar variation 4786451 (VCV004786451.1).